The following is an entry in ClinVar:

NM_004725.4(BUB3):c.128A>G (p.Asp43Gly)

Genes: BUB3 (BUB3 mitotic checkpoint protein; plus strand), LOC130004885 (ATAC-STARR-seq lymphoblastoid active region 4151; plus strand). Cytogenetic location: 10q26.13.
Variant type: single nucleotide variant.
Coding change: c.128A>G on transcript NM_004725.4 (MANE Select); coding-DNA position 128, A replaced by G.
Protein change: p.Asp43Gly; replaces aspartic acid 43 with glycine.
Molecular consequence: missense variant.
Genome position (GRCh38, 1-based): chr10:123,155,045, A>G. VCF-style: chr10-123155045-A-G. GRCh37 (hg19) VCF-style: chr10-124914561-A-G.
Other names: c.128A>G, p.Asp43Gly (NM_001007793.3); short protein forms D43G.
Identifiers: ClinVar variation 2560426 (VCV002560426.2), dbSNP rs1410153166, ClinGen allele CA378624999.

ClinVar aggregate classification (germline): Uncertain significance (1 of 4 stars; one submission).

Allele frequency attached by ClinVar (database versions not stated): gnomAD 0.00001; TOPMed 0.00001.
gnomAD v4.1: 5 of 1,614,024 alleles (0.00031%); highest among the groups gnomAD compares: South Asian, 0.0011%; no homozygotes.

Submission:

Ambry Genetics
Classification: Uncertain significance. Last evaluated: 2023-03-25. Review status: criteria provided, single submitter. Criteria: Ambry Variant Classification Scheme 2023. Collection method: clinical testing. Allele origin: germline.
Comment: The p.D43G variant (also known as c.128A>G), located in coding exon 1 of the BUB3 gene, results from an A to G substitution at nucleotide position 128. The aspartic acid at codon 43 is replaced by glycine, an amino acid with similar properties. This amino acid position is conserved. In addition, this alteration is predicted to be deleterious by in silico analysis. Since supporting evidence is limited at this time, the clinical significance of this alteration remains unclear.